The following is an entry in ClinVar:

NM_000465.4(BARD1):c.1735T>G (p.Ser579Ala)

Gene: BARD1 (BRCA1 associated RING domain 1; minus strand). Cytogenetic location: 2q35.
Variant type: single nucleotide variant.
Coding change: c.1735T>G on transcript NM_000465.4 (MANE Select); coding-DNA position 1735, T replaced by G.
Protein change: p.Ser579Ala; replaces serine 579 with alanine.
Molecular consequence: missense variant. On other transcripts: non-coding transcript variant (3), intron variant (1).
Genome position (GRCh38, 1-based): chr2:214,745,797, A>C on the plus strand (T>G on the coding strand, the complement: BARD1 is on the minus strand). VCF-style: chr2-214745797-A-C. GRCh37 (hg19) VCF-style: chr2-215610521-A-C.
Other names: c.1678T>G, p.Ser560Ala (NM_001282543.2); c.382T>G, p.Ser128Ala (NM_001282545.2); c.325T>G, p.Ser109Ala (NM_001282548.2); c.365-15289T>G (NM_001282549.2); short protein forms S579A, S109A, S560A, S128A.
Identifiers: ClinVar variation 482782 (VCV000482782.15), dbSNP rs1553615143, ClinGen allele CA350453069.

ClinVar aggregate classification (germline): Uncertain significance. Review status: criteria provided, multiple submitters, no conflicts (2 of 4 stars). 3 submissions from 3 submitters: Uncertain significance (3). Last evaluated 2026-01-17.

Conditions:
BARD1-related disorder. Also called: BARD1-related condition.
Hereditary cancer-predisposing syndrome. Also called: Neoplastic Syndromes, Hereditary; Tumor predisposition; Hereditary Cancer Syndrome; Hereditary neoplastic syndrome. Identifiers: Orphanet 140162, MedGen C0027672, MeSH D009386, MONDO:0015356.
Familial cancer of breast. Also called: BREAST CANCER, FAMILIAL; Hereditary breast cancer; hereditary breast carcinoma. Identifiers: Orphanet 227535, MedGen C0346153, MONDO:0016419, OMIM 114480. Disease mechanism: loss of function.

Allele frequency attached by ClinVar (database versions not stated): gnomAD exomes below 0.00001; gnomAD 0.00003.
gnomAD v4.1: 6 of 1,613,908 alleles (0.00037%); highest among the groups gnomAD compares: African/African-American, 0.008%; no homozygotes.

Submissions (3):

Labcorp Genetics (formerly Invitae), Labcorp
Classification: Uncertain significance for Familial cancer of breast. Last evaluated: 2026-01-17. Review status: criteria provided, single submitter. Criteria: Invitae Variant Classification Sherloc (09022015). Collection method: clinical testing. Allele origin: germline.
Comment: This sequence change replaces serine, which is neutral and polar, with alanine, which is neutral and non-polar, at codon 579 of the BARD1 protein (p.Ser579Ala). This variant is not present in population databases (gnomAD no frequency). This variant has not been reported in the literature in individuals affected with BARD1-related conditions. ClinVar contains an entry for this variant (Variation ID: 482782). An algorithm developed to predict the effect of missense changes on protein structure and function (PolyPhen-2) suggests that this variant is likely to be tolerated. In summary, the available evidence is currently insufficient to determine the role of this variant in disease. Therefore, it has been classified as a Variant of Uncertain Significance.

Ambry Genetics
Classification: Uncertain significance for Hereditary cancer-predisposing syndrome. Last evaluated: 2024-03-02. Review status: criteria provided, single submitter. Criteria: Ambry Variant Classification Scheme 2023. Collection method: clinical testing. Allele origin: germline.
Comment: The p.S579A variant (also known as c.1735T>G), located in coding exon 8 of the BARD1 gene, results from a T to G substitution at nucleotide position 1735. The serine at codon 579 is replaced by alanine, an amino acid with similar properties. This amino acid position is well conserved in available vertebrate species. In addition, the in silico prediction for this alteration is inconclusive. Since supporting evidence is limited at this time, the clinical significance of this alteration remains unclear.

PreventionGenetics, part of Exact Sciences
Classification: Uncertain significance for BARD1-related condition. Last evaluated: 2022-09-23. Review status: criteria provided, single submitter. Criteria: ACMG Guidelines, 2015. Collection method: clinical testing. Allele origin: germline.
Comment: The BARD1 c.1735T>G variant is predicted to result in the amino acid substitution p.Ser579Ala. To our knowledge, this variant has not been reported in the literature or in a large population database, indicating this variant is rare. It is interpreted as uncertain significance in ClinVar. At this time, the clinical significance of this variant is uncertain due to the absence of conclusive functional and genetic evidence.